The following is an entry in ClinVar:

ClinVar aggregate classification (germline): Uncertain significance (1 of 4 stars; one submission).

Conditions:
Atrial standstill 1 (ATRST1). Also called: ATRIAL CARDIOMYOPATHY WITH HEART BLOCK; CARDIOMYOPATHY, FAMILIAL, WITH CONDUCTION DISTURBANCE; Atrial standstill, digenic (GJA5/SCN5A). Identifiers: Orphanet 1344, MedGen C4551959, MONDO:0007171, OMIM 108770.
Atrial fibrillation, familial, 11 (ATFB11). Identifiers: MedGen C3279693, MONDO:0013544, OMIM 614049.

Submission:

Labcorp Genetics (formerly Invitae), Labcorp
Classification: Uncertain significance for Atrial fibrillation, familial, 11; Cardiomyopathy, Familial, with Conduction Disturbance. Last evaluated: 2019-10-25. Review status: criteria provided, single submitter. Criteria: Invitae Variant Classification Sherloc (09022015). Collection method: clinical testing. Allele origin: germline.
Comment: A gross duplication of the genomic region encompassing the full coding sequence of the GJA5 gene has been identified. The boundaries of this event are unknown as the duplication extends beyond the assayed region for this gene and therefore may encompass additional genes. As the precise location of this duplication is unknown, it may be in tandem or it may be located elsewhere in the genome. Isolated whole-gene duplications of GJA5 have not been reported in the literature. However, larger copy number events that include this gene have been reported in individuals with congenital heart disease with or without other clinical features (PMID: 21921585, 25205790, 22199024, 27930557, 22912587). In summary, the exact genomic location of this variant is unknown and the impact of this duplication on GJA5 protein function has not been established. Therefore, it has been classified as a Variant of Uncertain Significance.

Literature cited by the submitters: PubMed 22912587; PubMed 25205790; PubMed 21921585; PubMed 22199024; PubMed 27930557.

NC_000001.10:g.(?_147230260)_(147245383_?)dup

Gene: GJA5 (gap junction protein alpha 5; minus strand). Cytogenetic location: 1q21.2.
Variant type: Duplication.
Identifiers: ClinVar variation 831772 (VCV000831772.2).